The following is an entry in ClinVar:

ClinVar aggregate classification (germline): Uncertain significance (1 of 4 stars; one submission).

Submission:

Women's Health and Genetics/Laboratory Corporation of America, LabCorp
Classification: Uncertain significance. Last evaluated: 2024-02-16. Review status: criteria provided, single submitter. Criteria: LabCorp Variant Classification Summary - May 2015. Collection method: clinical testing. Allele origin: germline.
Comment: Variant summary: The variant involves the duplication of exons 7-19 in the AUTS2 gene. The exact breakpoint at the 3' end of this variant is unknown, therefore this duplication may extend downstream of the annotated region of the gene. As it duplicates the termination codon, its effect on the encoded protein is unknown. A presumed nomenclature of c.(742+1_743-1)_(*2511_?)dup has been designated for the purposes of this classification. The variant was absent in 21686 control chromosomes (gnomAD, structural variants dataset). The available data on variant occurrences in the general population are insufficient to allow any conclusion about variant significance. To our knowledge, no occurrence of c.(742+1_743-1)_(*2511_?)dup in individuals affected with Autism Spectrum Disorder Due To AUTS2 Deficiency and no experimental evidence demonstrating its impact on protein function have been reported. ClinVar contains an entry for this variant (Variation ID: 2426192). Based on the evidence outlined above, the variant was classified as uncertain significance.

NC_000007.13:g.(70163607_70227855)_(70258493_?)dup

Gene: AUTS2 (activator of transcription and developmental regulator AUTS2; plus strand). Cytogenetic location: 7q11.22.
Variant type: Duplication.
Identifiers: ClinVar variation 3069108 (VCV003069108.1).